The following is an entry in ClinVar:

NM_014946.4(SPAST):c.906dup (p.Thr303fs)

Gene: SPAST (spastin; plus strand). Cytogenetic location: 2p22.3.
Variant type: Duplication.
Coding change: c.906dup on transcript NM_014946.4 (MANE Select); coding-DNA position 906, one base duplicated (T; older notation c.906dupT).
Protein change: p.Thr303fs; shifts the reading frame from threonine 303.
Molecular consequence: frameshift variant.
Genome position (GRCh38, 1-based): chr2:32,115,737, T duplicated. VCF-style (leftmost placement, unchanged base first): chr2-32115736-C-CT. GRCh37 (hg19) VCF-style: chr2-32340805-C-CT.
Other names: c.905_906insT (NM_014946.4); c.903dup, p.Thr302fs (NM_001363823.2); c.807dup, p.Thr270fs (NM_001363875.2); c.810dup, p.Thr271fs (NM_001377959.1, NM_199436.2); short protein forms T270fs, T271fs, T302fs, T303fs.
Identifiers: ClinVar variation 3383958 (VCV003383958.2).

ClinVar aggregate classification (germline): Likely pathogenic (0 of 4 stars; one submission).

Conditions:
Hereditary spastic paraplegia 4. Also called: Spastic Paraplegia 4; Familial spastic paraplegia autosomal dominant 2; Spastic paraplegia 4, autosomal dominant. Identifiers: Orphanet 100985, MedGen C1866855, MONDO:0008438, OMIM 182601.

Submission:

Division of Pediatric Nephrology, Shenzhen Children's Hospital
Classification: Likely pathogenic for Hereditary spastic paraplegia 4. Last evaluated: 2024-11-16. Review status: no assertion criteria provided. Collection method: clinical testing. Allele origin: germline. Inheritance: Autosomal dominant inheritance. Affected: yes. Observed: 1 heterozygote.
Comment: This frameshift mutation, which leads to a truncated spastin protein, meets several key criteria for likely pathogenic: PVS1 (Very Strong Evidence): The mutation causes premature protein truncation, which disrupts the function of spastin, a protein essential for microtubule severing. This frameshift mutation likely results in a truncated or nonfunctional protein, affecting cellular function in HSP4. PM2 (Moderate Evidence): The mutation is not found in population databases (such as gnomAD or dbSNP), indicating it is rare and suggesting that it is not a common polymorphism in the general population, supporting its pathogenic potential. PP3 (Supporting Evidence): Computational predictions suggest that this mutation would impair the folding and function of the spastin protein, aligning with the known biological role of spastin in microtubule severing and cellular stability. Based on the evidence, the SPAST c.905_906insT mutation is classified as likely pathogenic under the ACMG guidelines.

Literature cited by the submitters: PubMed 20932283.